The following is an entry in ClinVar:

NM_007194.4(CHEK2):c.909G>C (p.Leu303Phe)

Gene: CHEK2 (checkpoint kinase 2; minus strand). Cytogenetic location: 22q12.1.
Variant type: single nucleotide variant.
Coding change: c.909G>C on transcript NM_007194.4 (MANE Select); coding-DNA position 909, G replaced by C.
Protein change: p.Leu303Phe; replaces leucine 303 with phenylalanine.
Molecular consequence: missense variant.
Genome position (GRCh38, 1-based): chr22:28,699,937, C>G on the plus strand (G>C on the coding strand, the complement: CHEK2 is on the minus strand). VCF-style: chr22-28699937-C-G. GRCh37 (hg19) VCF-style: chr22-29095925-C-G.
Other names: c.1038G>C, p.Leu346Phe (NM_001005735.3); c.246G>C, p.Leu82Phe (NM_001257387.3); c.708G>C, p.Leu236Phe (NM_001349956.3); c.909G>C, p.Leu303Phe (NM_145862.3); short protein forms L303F, L346F, L236F, L82F.
Identifiers: ClinVar variation 185534 (VCV000185534.17), dbSNP rs786202256, ClinGen allele CA192208.

ClinVar aggregate classification (germline): Uncertain significance. Review status: criteria provided, multiple submitters, no conflicts (2 of 4 stars). 4 submissions from 4 submitters: Uncertain significance (4). Last evaluated 2025-10-20.

Conditions:
Hereditary cancer-predisposing syndrome. Also called: Hereditary neoplastic syndrome; Neoplastic Syndromes, Hereditary; Tumor predisposition; Hereditary Cancer Syndrome. Identifiers: Orphanet 140162, MedGen C0027672, MeSH D009386, MONDO:0015356.
Familial cancer of breast. Also called: BREAST CANCER, FAMILIAL; Hereditary breast cancer; hereditary breast carcinoma. Identifiers: Orphanet 227535, MedGen C0346153, MONDO:0016419, OMIM 114480. Disease mechanism: loss of function.

Allele frequency attached by ClinVar (database versions not stated): TOPMed below 0.00001; gnomAD 0.00001.
gnomAD v4.1: 1 of 1,611,974 alleles (0.000062%); highest among the groups gnomAD compares: Non-Finnish European, 0.000085%; no homozygotes.

Submissions (4):

Labcorp Genetics (formerly Invitae), Labcorp
Classification: Uncertain significance for Familial cancer of breast. Last evaluated: 2025-10-20. Review status: criteria provided, single submitter. Criteria: Invitae Variant Classification Sherloc (09022015). Collection method: clinical testing. Allele origin: germline.
Comment: This sequence change replaces leucine, which is neutral and non-polar, with phenylalanine, which is neutral and non-polar, at codon 303 of the CHEK2 protein (p.Leu303Phe). This variant is not present in population databases (gnomAD no frequency). This variant has not been reported in the literature in individuals affected with CHEK2-related conditions. ClinVar contains an entry for this variant (Variation ID: 185534). An algorithm developed to predict the effect of missense changes on protein structure and function (PolyPhen-2) suggests that this variant is likely to be disruptive. RNA analysis performed to evaluate the impact of this missense change on mRNA splicing indicates it does not significantly alter splicing (internal data). In summary, the available evidence is currently insufficient to determine the role of this variant in disease. Therefore, it has been classified as a Variant of Uncertain Significance.

Ambry Genetics
Classification: Uncertain significance for Hereditary cancer-predisposing syndrome. Last evaluated: 2024-03-13. Review status: criteria provided, single submitter. Criteria: Ambry Variant Classification Scheme 2023. Collection method: clinical testing. Allele origin: germline.
Comment: The p.L303F variant (also known as c.909G>C) is located in coding exon 8 of the CHEK2 gene. The leucine at codon 303 is replaced by phenylalanine, an amino acid with highly similar properties. This change occurs in the first base pair of coding exon 8. In a study assessing CHEK2-complementation through quantification of KAP1 phosphorylation and CHK2 autophosphorylation in human RPE1-CHEK2-knockout cells, this alteration was reported as functionally impaired for KAP1 phosphorylation, but was inconclusive for CHK2 autophosphorylation (Stolarova L et al. Clin Cancer Res, 2023 Aug;29:3037-3050). This amino acid position is highly conserved in available vertebrate species. In addition, the in silico prediction for this alteration is inconclusive. Based on the available evidence, the clinical significance of this alteration remains unclear.

Baylor Genetics
Classification: Uncertain significance for Familial cancer of breast. Last evaluated: 2024-02-21. Review status: criteria provided, single submitter. Criteria: ACMG Guidelines, 2015. Collection method: clinical testing. Allele origin: unknown.

GeneDx
Classification: Uncertain significance. Last evaluated: 2016-12-14. Review status: criteria provided, single submitter. Criteria: GeneDx Variant Classification (06012015). Collection method: clinical testing. Allele origin: germline. Affected: yes.
Comment: This variant is denoted CHEK2 c.909G>C at the cDNA level, p.Leu303Phe (L303F) at the protein level, and results in the change of a Leucine to a Phenylalanine (TTG>TTC). This variant has not, to our knowledge, been published in the literature as pathogenic or benign. CHEK2 Leu303Phe was not observed in approximately 6,500 individuals of European and African American ancestry in the NHLBI Exome Sequencing Project, suggesting it is not a common benign variant in these populations. Since Leucine and Phenylalanine share similar properties, this is considered a conservative amino acid substitution. CHEK2 Leu303Phe occurs at a position that is conserved across species and is located within the Kinase domain (Desrichard 2011, Roeb 2012). In silico analyses predict that this variant is probably damaging to protein structure and function. Based on currently available evidence, it is unclear whether CHEK2 Leu303Phe is a pathogenic or benign variant. We consider it to be a variant of uncertain significance.

Literature cited by the submitters: PubMed 37449874 (cited by Ambry Genetics).